The following is an entry in ClinVar:

ClinVar aggregate classification (germline): Uncertain significance. Review status: criteria provided, multiple submitters, no conflicts (2 of 4 stars). 2 submissions from 2 submitters: Uncertain significance (2). Last evaluated 2022-06-05.

Conditions:
Inborn genetic diseases. Identifiers: MedGen C0950123, MeSH D030342.

Allele frequency attached by ClinVar (database versions not stated): TOPMed below 0.00001; ExAC 0.00001.

Submissions (2):

Labcorp Genetics (formerly Invitae), Labcorp
Classification: Uncertain significance. Last evaluated: 2022-06-05. Review status: criteria provided, single submitter. Criteria: Invitae Variant Classification Sherloc (09022015). Collection method: clinical testing. Allele origin: germline.
Comment: This sequence change replaces histidine, which is basic and polar, with leucine, which is neutral and non-polar, at codon 221 of the DLX3 protein (p.His221Leu). This variant is present in population databases (rs575862443, gnomAD 0.009%). This variant has not been reported in the literature in individuals affected with DLX3-related conditions. Algorithms developed to predict the effect of missense changes on protein structure and function are either unavailable or do not agree on the potential impact of this missense change (SIFT: "Deleterious"; PolyPhen-2: "Benign"; Align-GVGD: "Class C65"). In summary, the available evidence is currently insufficient to determine the role of this variant in disease. Therefore, it has been classified as a Variant of Uncertain Significance.

Ambry Genetics
Classification: Uncertain significance for Inborn genetic diseases. Last evaluated: 2021-09-16. Review status: criteria provided, single submitter. Criteria: Ambry Variant Classification Scheme 2023. Collection method: clinical testing. Allele origin: germline.

NM_005220.3(DLX3):c.662A>T (p.His221Leu)

Gene: DLX3 (distal-less homeobox 3; minus strand). Cytogenetic location: 17q21.33.
Variant type: single nucleotide variant.
Coding change: c.662A>T on transcript NM_005220.3 (MANE Select); coding-DNA position 662, A replaced by T.
Protein change: p.His221Leu; replaces histidine 221 with leucine.
Molecular consequence: missense variant.
Genome position (GRCh38, 1-based): chr17:49,991,719, T>A on the plus strand (A>T on the coding strand, the complement: DLX3 is on the minus strand). VCF-style: chr17-49991719-T-A. GRCh37 (hg19) VCF-style: chr17-48069083-T-A.
Other names: short protein forms H221L.
Identifiers: ClinVar variation 2096920 (VCV002096920.5), dbSNP rs575862443, ClinGen allele CA8640973.